The following is an entry in ClinVar:

NM_133433.4(NIPBL):c.4472C>T (p.Thr1491Ile)

Gene: NIPBL (NIPBL cohesin loading factor; plus strand). Cytogenetic location: 5p13.2.
Variant type: single nucleotide variant.
Coding change: c.4472C>T on transcript NM_133433.4 (MANE Select); coding-DNA position 4472, C replaced by T.
Protein change: p.Thr1491Ile; replaces threonine 1491 with isoleucine.
Molecular consequence: missense variant.
Genome position (GRCh38, 1-based): chr5:37,010,137, C>T. VCF-style: chr5-37010137-C-T. GRCh37 (hg19) VCF-style: chr5-37010239-C-T.
Other names: c.4472C>T, p.Thr1491Ile (NM_015384.5); short protein forms T1491I.
Identifiers: ClinVar variation 2500568 (VCV002500568.1), dbSNP rs2478190217, ClinGen allele CA359527730.

ClinVar aggregate classification (germline): Uncertain significance (1 of 4 stars; one submission).

Submission:

GeneDx
Classification: Uncertain significance. Last evaluated: 2022-10-25. Review status: criteria provided, single submitter. Criteria: GeneDx Variant Classification Process June 2021. Collection method: clinical testing. Allele origin: germline. Affected: yes.
Comment: Not observed at significant frequency in large population cohorts (gnomAD); In silico analysis supports that this missense variant has a deleterious effect on protein structure/function; Has not been previously published as pathogenic or benign to our knowledge